The following is an entry in ClinVar:

NM_024757.5(EHMT1):c.3890C>G (p.Pro1297Arg)

Gene: EHMT1 (euchromatic histone lysine methyltransferase 1; plus strand). Cytogenetic location: 9q34.3.
Variant type: single nucleotide variant.
Coding change: c.3890C>G on transcript NM_024757.5 (MANE Select); coding-DNA position 3890, C replaced by G.
Protein change: p.Pro1297Arg; replaces proline 1297 with arginine.
Molecular consequence: missense variant.
Genome position (GRCh38, 1-based): chr9:137,834,946, C>G. VCF-style: chr9-137834946-C-G. GRCh37 (hg19) VCF-style: chr9-140729398-C-G.
Other names: c.3869C>G, p.Pro1290Arg (NM_001354263.2); c.3890C>G (NM_024757.4); short protein forms P1290R, P1297R.
Identifiers: ClinVar variation 1920199 (VCV001920199.6), dbSNP rs1043505719, ClinGen allele CA201814745.

ClinVar aggregate classification (germline): Uncertain significance. Review status: criteria provided, multiple submitters, no conflicts (2 of 4 stars). 2 submissions from 2 submitters: Uncertain significance (2). Last evaluated 2025-06-01.

Conditions:
Kleefstra syndrome 1 (KLEFS1). Identifiers: Orphanet 261494, MedGen C0795833, MONDO:0027407, OMIM 610253.

Allele frequency attached by ClinVar (database versions not stated): gnomAD 0.00001; TOPMed below 0.00001.
gnomAD v4.1: 2 of 1,458,934 alleles (0.00014%); highest among the groups gnomAD compares: African/African-American, 0.003%; no homozygotes.

Submissions (2):

Labcorp Genetics (formerly Invitae), Labcorp
Classification: Uncertain significance for Kleefstra syndrome 1. Last evaluated: 2025-06-01. Review status: criteria provided, single submitter. Criteria: Invitae Variant Classification Sherloc (09022015). Collection method: clinical testing. Allele origin: germline.
Comment: This sequence change replaces proline, which is neutral and non-polar, with arginine, which is basic and polar, at codon 1297 of the EHMT1 protein (p.Pro1297Arg). This variant is not present in population databases (gnomAD no frequency). This variant has not been reported in the literature in individuals affected with EHMT1-related conditions. This missense change has been observed in at least one individual who was not affected with EHMT1-related conditions (internal data). ClinVar contains an entry for this variant (Variation ID: 1920199). An algorithm developed to predict the effect of missense changes on protein structure and function (PolyPhen-2) suggests that this variant is likely to be disruptive. In summary, the available evidence is currently insufficient to determine the role of this variant in disease. Therefore, it has been classified as a Variant of Uncertain Significance.

GeneDx
Classification: Uncertain significance. Last evaluated: 2022-09-13. Review status: criteria provided, single submitter. Criteria: GeneDx Variant Classification Process June 2021. Collection method: clinical testing. Allele origin: germline. Affected: yes.
Comment: Not observed at significant frequency in large population cohorts (gnomAD); In silico analysis supports that this missense variant does not alter protein structure/function; Has not been previously published as pathogenic or benign to our knowledge